The following is an entry in ClinVar:

ClinVar aggregate classification (germline): Uncertain significance. Review status: criteria provided, multiple submitters, no conflicts (2 of 4 stars). 2 submissions from 2 submitters: Uncertain significance (2). Last evaluated 2024-10-26.

Conditions:
DICER1-related tumor predisposition. Also called: DICER1 syndrome; DICER1-related pleuropulmonary blastoma cancer predisposition syndrome. Identifiers: Orphanet 284343, MedGen C3839822, MONDO:0100216.
Hereditary cancer-predisposing syndrome. Also called: Hereditary neoplastic syndrome; Tumor predisposition; Neoplastic Syndromes, Hereditary; Hereditary Cancer Syndrome. Identifiers: Orphanet 140162, MedGen C0027672, MeSH D009386, MONDO:0015356.

Submissions (2):

Ambry Genetics
Classification: Uncertain significance for Hereditary cancer-predisposing syndrome. Last evaluated: 2024-10-26. Review status: criteria provided, single submitter. Criteria: Ambry Variant Classification Scheme 2023. Collection method: clinical testing. Allele origin: germline.
Comment: The p.E1398G variant (also known as c.4193A>G), located in coding exon 21 of the DICER1 gene, results from an A to G substitution at nucleotide position 4193. The glutamic acid at codon 1398 is replaced by glycine, an amino acid with similar properties. This amino acid position is not well conserved in available vertebrate species. In addition, this alteration is predicted to be tolerated by in silico analysis. Since supporting evidence is limited at this time, the clinical significance of this alteration remains unclear.

Labcorp Genetics (formerly Invitae), Labcorp
Classification: Uncertain significance for DICER1-related tumor predisposition. Last evaluated: 2024-08-19. Review status: criteria provided, single submitter. Criteria: Invitae Variant Classification Sherloc (09022015). Collection method: clinical testing. Allele origin: germline.
Comment: This sequence change replaces glutamic acid, which is acidic and polar, with glycine, which is neutral and non-polar, at codon 1398 of the DICER1 protein (p.Glu1398Gly). This variant is not present in population databases (gnomAD no frequency). This variant has not been reported in the literature in individuals affected with DICER1-related conditions. ClinVar contains an entry for this variant (Variation ID: 959112). Invitae Evidence Modeling of protein sequence and biophysical properties (such as structural, functional, and spatial information, amino acid conservation, physicochemical variation, residue mobility, and thermodynamic stability) indicates that this missense variant is not expected to disrupt DICER1 protein function with a negative predictive value of 80%. In summary, the available evidence is currently insufficient to determine the role of this variant in disease. Therefore, it has been classified as a Variant of Uncertain Significance.

NM_177438.3(DICER1):c.4193A>G (p.Glu1398Gly)

Gene: DICER1 (dicer 1, ribonuclease III; minus strand). Cytogenetic location: 14q32.13.
Variant type: single nucleotide variant.
Coding change: c.4193A>G on transcript NM_177438.3 (MANE Select); coding-DNA position 4193, A replaced by G.
Protein change: p.Glu1398Gly; replaces glutamic acid 1398 with glycine.
Molecular consequence: missense variant.
Genome position (GRCh38, 1-based): chr14:95,099,793, T>C on the plus strand (A>G on the coding strand, the complement: DICER1 is on the minus strand). VCF-style: chr14-95099793-T-C. GRCh37 (hg19) VCF-style: chr14-95566130-T-C.
Other names: c.4193A>G, p.Glu1398Gly (NM_001195573.1, NM_001271282.3, NM_001291628.2 and 1 more transcripts); short protein forms E1398G.
Identifiers: ClinVar variation 959112 (VCV000959112.13), dbSNP rs1890712257, ClinGen allele CA390871741.